The following is an entry in ClinVar:

NM_004629.2(FANCG):c.1189T>G (p.Phe397Val)

Gene: FANCG (FA complementation group G; minus strand). Cytogenetic location: 9p13.3.
Variant type: single nucleotide variant.
Coding change: c.1189T>G on transcript NM_004629.2 (MANE Select); coding-DNA position 1189, T replaced by G.
Protein change: p.Phe397Val; replaces phenylalanine 397 with valine.
Molecular consequence: missense variant.
Genome position (GRCh38, 1-based): chr9:35,075,709, A>C on the plus strand (T>G on the coding strand, the complement: FANCG is on the minus strand). VCF-style: chr9-35075709-A-C. GRCh37 (hg19) VCF-style: chr9-35075706-A-C.
Other names: short protein forms F397V.
Identifiers: ClinVar variation 4022484 (VCV004022484.1).

ClinVar aggregate classification (germline): Uncertain significance (1 of 4 stars; one submission).

Conditions:
Inborn genetic diseases. Identifiers: MedGen C0950123, MeSH D030342.

Submission:

Ambry Genetics
Classification: Uncertain significance for Inborn genetic diseases. Last evaluated: 2025-04-09. Review status: criteria provided, single submitter. Criteria: Ambry Variant Classification Scheme 2023. Collection method: clinical testing. Allele origin: germline.
Comment: The p.F397V variant (also known as c.1189T>G), located in coding exon 10 of the FANCG gene, results from a T to G substitution at nucleotide position 1189. The phenylalanine at codon 397 is replaced by valine, an amino acid with highly similar properties. This amino acid position is conserved. In addition, this alteration is predicted to be tolerated by in silico analysis. Based on the available evidence, the clinical significance of this variant remains unclear.